The following is an entry in ClinVar:

ClinVar aggregate classification (germline): Benign/Likely benign. Review status: criteria provided, multiple submitters, no conflicts (2 of 4 stars). 2 submissions from 2 submitters: Benign (1); Likely benign (1). Last evaluated 2026-06-01.

Submissions (2):

CeGaT Center for Human Genetics Tuebingen
Classification: Likely benign. Last evaluated: 2026-06-01. Review status: criteria provided, single submitter. Criteria: CeGaT Center For Human Genetics Tuebingen Variant Classification Criteria Version 2. Collection method: clinical testing. Allele origin: germline. Affected: yes. Observed: 6 variant alleles.
Comment: HCK: BP4, BS2

Women's Health and Genetics/Laboratory Corporation of America, LabCorp
Classification: Benign. Last evaluated: 2026-02-10. Review status: criteria provided, single submitter. Criteria: LabCorp Variant Classification Summary - May 2015. Collection method: clinical testing. Allele origin: germline.
Comment: Variant summary: HCK c.130G>A (p.Ala44Thr) results in a non-conservative amino acid change in the encoded protein sequence. Algorithms developed to predict the effect of missense changes on protein structure and function are either unavailable or do not agree on the potential impact of this missense change. The variant allele was found at a frequency of 0.0032 in 251358 control chromosomes in the gnomAD database, including 4 homozygotes. The observed variant frequency exceeds the estimated maximal expected allele frequency for disease-causing variants in HCK. To our knowledge, no occurrence of c.130G>A in individuals affected with HCK-related conditions and no experimental evidence demonstrating its impact on protein function have been reported. ClinVar contains an entry for this variant (Variation ID: 4083558). Based on the evidence outlined above, the variant was classified as benign.

NM_002110.5(HCK):c.130G>A (p.Ala44Thr)

Gene: HCK (HCK proto-oncogene, Src family tyrosine kinase; plus strand). Cytogenetic location: 20q11.21.
Variant type: single nucleotide variant.
Coding change: c.130G>A on transcript NM_002110.5 (MANE Select); coding-DNA position 130, G replaced by A.
Protein change: p.Ala44Thr; replaces alanine 44 with threonine.
Molecular consequence: missense variant.
Genome position (GRCh38, 1-based): chr20:32,071,729, G>A. VCF-style: chr20-32071729-G-A. GRCh37 (hg19) VCF-style: chr20-30659532-G-A.
Other names: c.67G>A, p.Ala23Thr (NM_001172129.3, NM_001172131.3, NM_001172133.3); c.130G>A, p.Ala44Thr (NM_001172130.3); c.70G>A, p.Ala24Thr (NM_001172132.3); short protein forms A23T, A24T, A44T.
Identifiers: ClinVar variation 4083558 (VCV004083558.9).